The following is an entry in ClinVar:

ClinVar aggregate classification (germline): Uncertain significance (1 of 4 stars; one submission).

Conditions:
Axenfeld-Rieger syndrome type 3 (RIEG3). Also called: AXENFELD-RIEGER ANOMALY WITH CARDIAC DEFECTS AND/OR SENSORINEURAL HEARING LOSS. Identifiers: Orphanet 782, MedGen C2678503, MONDO:0011233, OMIM 602482.

Submission:

Labcorp Genetics (formerly Invitae), Labcorp
Classification: Uncertain significance for Axenfeld-Rieger syndrome type 3. Last evaluated: 2024-09-18. Review status: criteria provided, single submitter. Criteria: Invitae Variant Classification Sherloc (09022015). Collection method: clinical testing. Allele origin: germline.
Comment: This sequence change replaces serine, which is neutral and polar, with cysteine, which is neutral and slightly polar, at codon 6 of the FOXC1 protein (p.Ser6Cys). This variant is not present in population databases (gnomAD no frequency). This variant has not been reported in the literature in individuals affected with FOXC1-related conditions. An algorithm developed to predict the effect of missense changes on protein structure and function (PolyPhen-2) suggests that this variant is likely to be disruptive. In summary, the available evidence is currently insufficient to determine the role of this variant in disease. Therefore, it has been classified as a Variant of Uncertain Significance.

NM_001453.3(FOXC1):c.17C>G (p.Ser6Cys)

Gene: FOXC1 (forkhead box C1; plus strand). Cytogenetic location: 6p25.3.
Variant type: single nucleotide variant.
Coding change: c.17C>G on transcript NM_001453.3 (MANE Select); coding-DNA position 17, C replaced by G.
Protein change: p.Ser6Cys; replaces serine 6 with cysteine.
Molecular consequence: missense variant.
Genome position (GRCh38, 1-based): chr6:1,610,462, C>G. VCF-style: chr6-1610462-C-G. GRCh37 (hg19) VCF-style: chr6-1610697-C-G.
Other names: short protein forms S6C.
Identifiers: ClinVar variation 3664517 (VCV003664517.2).